The following is an entry in ClinVar:

ClinVar aggregate classification (germline): Pathogenic. Review status: criteria provided, multiple submitters, no conflicts (2 of 4 stars). 6 submissions from 6 submitters: Pathogenic (4). 2 of the submissions do not count toward it. Last evaluated 2025-06-30.

Conditions:
Deficiency of steroid 17-alpha-monooxygenase. Also called: Congenital adrenal hyperplasia due to 17-alpha-hydroxylase deficiency; Congenital adrenal hyperplasia type 5; 17-ALPHA-HYDROXYLASE DEFICIENCY; 17-alpha-hydroxylase/17,20-lyase deficiency; ADRENAL HYPERPLASIA V. Identifiers: Orphanet 90793, MedGen C0268285, MONDO:0008730, OMIM 202110.
17,20-lyase deficiency, isolated. Identifiers: MedGen C3277849, MONDO:0800378.

Allele frequency attached by ClinVar (database versions not stated): gnomAD exomes 0.00002 and 0.00001; TOPMed below 0.00001; gnomAD 0.00001; ExAC 0.00002.
gnomAD v4.1: 20 of 1,603,438 alleles (0.0012%); highest among the groups gnomAD compares: African/African-American, 0.004%; no homozygotes.

Submissions (6):

Natera, Inc.
Classification: Pathogenic for Deficiency of steroid 17-alpha-monooxygenase. Last evaluated: 2025-06-30. Review status: criteria provided, single submitter. Criteria: Natera Variant Classification Schema (03/2026). Collection method: clinical testing. Allele origin: germline.
Comment: The c.1040G>A variant in CYP17A1 is a missense variant predicted to cause substitution of arginine to histidine at amino acid 347. This variant is rare in the general population with a frequency below the threshold expected for the associated phenotype(s). This variant has been observed in one or more individuals affected with the associated recessive disease, as either homozygous or compound heterozygous with a second variant (PMID: 38933733, 9326943). Functional studies show that this variant may disrupt protein function (PMID: 9326943, 12466376). A different variant at the same position has been determined to be Pathogenic or Likely Pathogenic. Computational prediction algorithms indicate this variant is likely to affect gene or protein function. Given the available evidence, this variant is classified as Pathogenic.

Labcorp Genetics (formerly Invitae), Labcorp
Classification: Pathogenic. Last evaluated: 2024-02-07. Review status: criteria provided, single submitter. Criteria: Invitae Variant Classification Sherloc (09022015). Collection method: clinical testing. Allele origin: germline.
Comment: This sequence change replaces arginine, which is basic and polar, with histidine, which is basic and polar, at codon 347 of the CYP17A1 protein (p.Arg347His). This variant is present in population databases (rs61754278, gnomAD 0.007%). This missense change has been observed in individuals with isolated 17,20-lyase deficiency (PMID: 9326943, 12466376). ClinVar contains an entry for this variant (Variation ID: 1787). Advanced modeling of protein sequence and biophysical properties (such as structural, functional, and spatial information, amino acid conservation, physicochemical variation, residue mobility, and thermodynamic stability) performed at Invitae indicates that this missense variant is expected to disrupt CYP17A1 protein function with a positive predictive value of 95%. Experimental studies have shown that this missense change affects CYP17A1 function (PMID: 9326943, 9601054, 12466376, 27426448). This variant disrupts the p.Arg347 amino acid residue in CYP17A1. Other variant(s) that disrupt this residue have been determined to be pathogenic (PMID: 12466376). This suggests that this residue is clinically significant, and that variants that disrupt this residue are likely to be disease-causing. For these reasons, this variant has been classified as Pathogenic.

Fulgent Genetics
Classification: Pathogenic for Deficiency of steroid 17-alpha-monooxygenase. Last evaluated: 2021-11-17. Review status: criteria provided, single submitter. Criteria: ACMG Guidelines, 2015. Collection method: clinical testing. Allele origin: unknown.

Women's Health and Genetics/Laboratory Corporation of America, LabCorp
Classification: Pathogenic for Deficiency of steroid 17-alpha-monooxygenase. Last evaluated: 2021-10-29. Review status: criteria provided, single submitter. Criteria: LabCorp Variant Classification Summary - May 2015. Collection method: clinical testing. Allele origin: germline.
Comment: Variant summary: CYP17A1 c.1040G>A (p.Arg347His) results in a non-conservative amino acid change in the encoded protein sequence. Five of five in-silico tools predict a damaging effect of the variant on protein function. The variant allele was found at a frequency of 1.6e-05 in 251412 control chromosomes (gnomAD). c.1040G>A has been reported in the literature in multiple homozygous individuals affected with Isolated 17,20 Lyase Deficiency (Geller_1997, van den Akker_2002). These data indicate that the variant is very likely to be associated with disease. Experimental evidence evaluating an impact on protein function demonstrated the variant confers minimal 17,20-lyase activity while it retains 17-alpha-hydroxylase function (e.g. Geller_1997, Geller_1999, van den Akker_2002, Peng_2016, Kim_2021). Two ClinVar submitters (evaluation after 2014) cite the variant as pathogenic. Based on the evidence outlined above, the variant was classified as pathogenic.

Division of Human Genetics, Children's Hospital of Philadelphia
Classification: Pathogenic for 17-alpha-hydroxylase/17,20-lyase deficiency. Last evaluated: 2015-06-10. Review status: no assertion criteria provided. Collection method: research. Allele origin: germline. Affected: no. Study: CSER-PediSeq. Not counted in ClinVar's aggregate classification.
Comment: The CYP17A1 variant (c.1040G>A; p.Arg347His) was identified in four patients (mostly homozygotes and one compound heterozygote) with ambiguous external genitalia and normal glucocorticoid levels. Multiple functional studies showed moderate to severe impaired lyase activity, with some residual activity preserving the 17-alpha hydroxylase function. This variant is considered a pathogenic variant.

OMIM
Classification: Pathogenic for 17,20-LYASE DEFICIENCY, ISOLATED. Last evaluated: 2002-12-01. Review status: no assertion criteria provided. Collection method: literature only. Allele origin: germline. Not counted in ClinVar's aggregate classification.

Literature cited by the submitters: PubMed 38933733 (cited by Natera, Inc.); PubMed 9326943 (cited by 5 submitters); PubMed 12466376 (cited by 5 submitters); PubMed 9601054 (cited by Labcorp Genetics (formerly Invitae), Labcorp); PubMed 27426448 (cited by Labcorp Genetics (formerly Invitae), Labcorp and Women's Health and Genetics/Laboratory Corporation of America, LabCorp); PubMed 9892022 (cited by Women's Health and Genetics/Laboratory Corporation of America, LabCorp); PubMed 33753170 (cited by Women's Health and Genetics/Laboratory Corporation of America, LabCorp); PubMed 11549685 (cited by Division of Human Genetics, Children's Hospital of Philadelphia).

NM_000102.4(CYP17A1):c.1040G>A (p.Arg347His)

Gene: CYP17A1 (cytochrome P450 family 17 subfamily A member 1; minus strand). Cytogenetic location: 10q24.32.
Variant type: single nucleotide variant.
Coding change: c.1040G>A on transcript NM_000102.4 (MANE Select); coding-DNA position 1040, G replaced by A.
Protein change: p.Arg347His; replaces arginine 347 with histidine.
Molecular consequence: missense variant.
Genome position (GRCh38, 1-based): chr10:102,832,610, C>T on the plus strand (G>A on the coding strand, the complement: CYP17A1 is on the minus strand). VCF-style: chr10-102832610-C-T. GRCh37 (hg19) VCF-style: chr10-104592367-C-T.
Other names: short protein forms R347H.
Identifiers: ClinVar variation 1787 (VCV000001787.16), dbSNP rs61754278, ClinGen allele CA115184.